The following is an entry in ClinVar:

NM_000312.4(PROC):c.432_435delinsA (p.Asn144_Gly145delinsLys)

Gene: PROC (protein C, inactivator of coagulation factors Va and VIIIa; plus strand). Cytogenetic location: 2q14.3.
Variant type: Indel.
Coding change: c.432_435delinsA on transcript NM_000312.4 (MANE Select); coding-DNA positions 432 to 435, CGGC replaced by A.
Protein change: p.Asn144_Gly145delinsLys.
Molecular consequence: inframe indel. On other transcripts: intron variant (1).
Genome position (GRCh38, 1-based): chr2:127,423,305-127,423,308, CGGC replaced by A. VCF-style: chr2-127423305-CGGC-A. GRCh37 (hg19) VCF-style: chr2-128180881-CGGC-A.
Other names: c.432_435delCGGCinsA, p.Asn144_Gly145delinsLys (NM_000312.3); c.615_618delinsA, p.Asn205_Gly206delinsLys (NM_001375602.1); c.597_600delinsA, p.Asn199_Gly200delinsLys (NM_001375603.1); c.495_498delinsA, p.Asn165_Gly166delinsLys (NM_001375604.1); c.534_537delinsA, p.Asn178_Gly179delinsLys (NM_001375605.1); c.600_603delinsA, p.Asn200_Gly201delinsLys (NM_001375606.1); c.618_621delinsA, p.Asn206_Gly207delinsLys (NM_001375607.1); c.408_411delinsA, p.Asn136_Gly137delinsLys (NM_001375609.1); and 3 more.
Identifiers: ClinVar variation 2634733 (VCV002634733.1), dbSNP rs2468339449, ClinGen allele CA2586969859.

ClinVar aggregate classification (germline): Uncertain significance (1 of 4 stars; one submission).

Conditions:
PROC-related disorder. Also called: PROC-related condition.

Submission:

PreventionGenetics, part of Exact Sciences
Classification: Uncertain significance for PROC-related condition. Last evaluated: 2023-07-16. Review status: criteria provided, single submitter. Criteria: ACMG Guidelines, 2015. Collection method: clinical testing. Allele origin: germline.
Comment: The PROC c.432_435delinsA variant is predicted to result in an in-frame deletion and insertion. This variant was reported in a homozygous individual with Protein C deficiency (Millar et al. 1994. PubMed ID: 7841323). This variant has not been reported in a large population database, indicating this variant is rare. While we suspect that this variant could be pathogenic, at this time the clinical significance of this variant is uncertain due to the absence of conclusive functional and genetic evidence.